The following is an entry in ClinVar:

NM_006073.4(TRDN):c.1433G>A (p.Gly478Glu)

Gene: TRDN (triadin; minus strand). Cytogenetic location: 6q22.31.
Variant type: single nucleotide variant.
Coding change: c.1433G>A on transcript NM_006073.4 (MANE Select); coding-DNA position 1433, G replaced by A.
Protein change: p.Gly478Glu; replaces glycine 478 with glutamic acid.
Molecular consequence: missense variant.
Genome position (GRCh38, 1-based): chr6:123,331,917, C>T on the plus strand (G>A on the coding strand, the complement: TRDN is on the minus strand). VCF-style: chr6-123331917-C-T. GRCh37 (hg19) VCF-style: chr6-123653062-C-T.
Other names: short protein forms G478E.
Identifiers: ClinVar variation 4865910 (VCV004865910.1).
Genomic context (GRCh38, chr6:123,331,917, plus strand): 5'-ACATTTCATTGTATAATATTACCTTTTTCCTTTAGGGAAGCTGGAACTTTCTCTTCTTTC[C>T]CTTTAATAGGTTCTGAAAAGAAACATCGGACATTTATTTGAAGCCAAGACAAAGAGATTT-3'
Protein context (NP_006064.2, residues 468-488): SILKDKEPIK[Gly478Glu]KEEKVPASLK

ClinVar aggregate classification (germline): Uncertain significance (1 of 4 stars; one submission).

Conditions:
Cardiovascular phenotype. Identifiers: MedGen CN230736.

Submission:

Ambry Genetics
Classification: Uncertain significance for Cardiovascular phenotype. Last evaluated: 2026-06-09. Review status: criteria provided, single submitter. Criteria: Ambry Variant Classification Scheme 2023. Collection method: clinical testing. Allele origin: germline.
Comment: The p.G478E variant (also known as c.1433G>A), located in coding exon 23 of the TRDN gene, results from a G to A substitution at nucleotide position 1433. The glycine at codon 478 is replaced by glutamic acid, an amino acid with similar properties. This amino acid position is conserved. In addition, this alteration is predicted to be tolerated by in silico analysis. Based on the available evidence, the clinical significance of this variant remains unclear.